The following is an entry in ClinVar:

ClinVar aggregate classification (germline): Uncertain significance. Review status: criteria provided, multiple submitters, no conflicts (2 of 4 stars). 4 submissions from 4 submitters: Uncertain significance (4). Last evaluated 2025-05-20.

Conditions:
Hereditary nonpolyposis colorectal neoplasms. Identifiers: MedGen C0009405, MeSH D003123.
Lynch syndrome. Identifiers: Orphanet 144, MedGen C4552100, MONDO:0005835. Disease mechanism: loss of function.
Hereditary cancer-predisposing syndrome. Also called: Hereditary neoplastic syndrome; Hereditary Cancer Syndrome; Neoplastic Syndromes, Hereditary; Tumor predisposition. Identifiers: Orphanet 140162, MedGen C0027672, MeSH D009386, MONDO:0015356.

Submissions (4):

Ambry Genetics
Classification: Uncertain significance for Hereditary cancer-predisposing syndrome. Last evaluated: 2025-05-20. Review status: criteria provided, single submitter. Criteria: Ambry Variant Classification Scheme 2023. Collection method: clinical testing. Allele origin: germline.
Comment: The c.2006G>A variant (also known as p.S669N), located in coding exon 11 of the PMS2 gene, results from a G to A substitution at nucleotide position 2006. The amino acid change results in serine to asparagine at codon 669, an amino acid with highly similar properties. However, this change occurs in the last base pair of coding exon 11, which makes it likely to have some effect on normal mRNA splicing. This variant is considered to be rare based on population cohorts in the Genome Aggregation Database (gnomAD). This nucleotide position is highly conserved in available vertebrate species. This amino acid position is highly conserved in available vertebrate species. In silico splice site analysis predicts that this alteration will weaken the native splice donor site. In addition, as a missense substitution this is predicted to be tolerated by in silico analysis. Since supporting evidence is limited at this time, the clinical significance of this alteration remains unclear.

Labcorp Genetics (formerly Invitae), Labcorp
Classification: Uncertain significance for Hereditary nonpolyposis colorectal neoplasms. Last evaluated: 2023-12-08. Review status: criteria provided, single submitter. Criteria: Invitae Variant Classification Sherloc (09022015). Collection method: clinical testing. Allele origin: germline.
Comment: This sequence change replaces serine, which is neutral and polar, with asparagine, which is neutral and polar, at codon 669 of the PMS2 protein (p.Ser669Asn). This variant also falls at the last nucleotide of exon 11, which is part of the consensus splice site for this exon. This variant is not present in population databases (gnomAD no frequency). This variant has not been reported in the literature in individuals affected with PMS2-related conditions. An algorithm developed to predict the effect of missense changes on protein structure and function (PolyPhen-2) suggests that this variant is likely to be disruptive. Variants that disrupt the consensus splice site are a relatively common cause of aberrant splicing (PMID: 17576681, 9536098). Algorithms developed to predict the effect of sequence changes on RNA splicing suggest that this variant may disrupt the consensus splice site. In summary, the available evidence is currently insufficient to determine the role of this variant in disease. Therefore, it has been classified as a Variant of Uncertain Significance.

All of Us Research Program, National Institutes of Health
Classification: Uncertain significance for Lynch syndrome. Last evaluated: 2023-03-04. Review status: criteria provided, single submitter. Criteria: ACMG Guidelines, 2015. Collection method: clinical testing. Allele origin: germline. Inheritance: Autosomal dominant inheritance. Observed: 1 variant allele, 1 heterozygote.
Comment: This missense variant replaces serine with asparagine at codon 669 of the PMS2 protein. Computational prediction suggests that this variant may not impact protein structure and function (internally defined REVEL score threshold <= 0.5, PMID: 27666373). To our knowledge, functional studies have not been reported for this variant. This variant has not been reported in individuals affected with hereditary cancer in the literature. This variant has not been identified in the general population by the Genome Aggregation Database (gnomAD). The available evidence is insufficient to determine the role of this variant in disease conclusively. Therefore, this variant is classified as a Variant of Uncertain Significance.

This study involves interpretation of variants in research participants for the purpose of population health screening. Participant phenotype was not available at the time of variant classification. Additional details can be found in publication PMID: 35346344, PMCID: PMC8962531

Color Diagnostics, LLC DBA Color Health
Classification: Uncertain significance for Hereditary cancer-predisposing syndrome. Last evaluated: 2021-12-29. Review status: criteria provided, single submitter. Criteria: ACMG Guidelines, 2015. Collection method: clinical testing. Allele origin: germline.
Comment: This missense variant replaces serine with asparagine at codon 669 of the PMS2 protein. Computational prediction suggests that this variant may not impact protein structure and function (internally defined REVEL score threshold <= 0.5, PMID: 27666373). To our knowledge, functional studies have not been reported for this variant. This variant has not been reported in individuals affected with hereditary cancer in the literature. This variant has not been identified in the general population by the Genome Aggregation Database (gnomAD). The available evidence is insufficient to determine the role of this variant in disease conclusively. Therefore, this variant is classified as a Variant of Uncertain Significance.

Literature cited by the submitters: PubMed 17576681 (cited by Labcorp Genetics (formerly Invitae), Labcorp); PubMed 9536098 (cited by Labcorp Genetics (formerly Invitae), Labcorp).

NM_000535.7(PMS2):c.2006G>A (p.Ser669Asn)

Gene: PMS2 (PMS1 homolog 2, mismatch repair system component; minus strand). Cytogenetic location: 7p22.1.
Variant type: single nucleotide variant.
Coding change: c.2006G>A on transcript NM_000535.7 (MANE Select); coding-DNA position 2006, G replaced by A.
Protein change: p.Ser669Asn; replaces serine 669 with asparagine.
Molecular consequence: missense variant. On other transcripts: non-coding transcript variant (1), intron variant (1).
Genome position (GRCh38, 1-based): chr7:5,986,759, C>T on the plus strand (G>A on the coding strand, the complement: PMS2 is on the minus strand). VCF-style: chr7-5986759-C-T. GRCh37 (hg19) VCF-style: chr7-6026390-C-T.
Other names: c.1601G>A, p.Ser534Asn (NM_001018040.1, NM_001322003.2, NM_001322004.2 and 16 more transcripts); c.1850G>A, p.Ser617Asn (NM_001322006.2, NM_001406870.1); c.1688G>A, p.Ser563Asn (NM_001322007.2, NM_001322008.2, NM_001406876.1 and 1 more transcripts); c.1445G>A, p.Ser482Asn (NM_001322010.2, NM_001406906.1, NM_001406907.1); c.1073G>A, p.Ser358Asn (NM_001322011.2, NM_001322012.2); c.1433G>A, p.Ser478Asn (NM_001322013.2, NM_001406909.1); c.2006G>A, p.Ser669Asn (NM_001322014.2, NM_001406871.1); c.1697G>A, p.Ser566Asn (NM_001322015.2, NM_001406875.1, NM_001406877.1 and 5 more transcripts); and 16 more; short protein forms S478N, S498N, S511N, S547N, S566N, S603N, S669N, S731N.
Identifiers: ClinVar variation 2774123 (VCV002774123.7), dbSNP rs1417552718, ClinGen allele CA366738843.
Genomic context (GRCh38, chr7:5,986,759, plus strand): 5'-TAAAAAATAAAAATAAAAATTTTAGATAAAAAGAGAAAAAGTAAAAAATTAAAACTTTAC[C>T]TTATCTCTTTTCTTAGTTCATCTTCGGCTGCTTGATTTTCTCCAGGACAAATCTTTGCCC-3'
Protein context (NP_000526.2, residues 659-679): AAEDELRKEI[Ser669Asn]KTMFAEMEII